The following is an entry in ClinVar:

ClinVar aggregate classification (germline): Pathogenic. Review status: criteria provided, multiple submitters, no conflicts (2 of 4 stars). 2 submissions from 2 submitters: Pathogenic (2). Last evaluated 2024-09-01.

Conditions:
Short-rib thoracic dysplasia 6 with or without polydactyly (SRTD6). Also called: SHORT RIB-POLYDACTYLY SYNDROME, TYPE IIA; POLYDACTYLY WITH NEONATAL CHONDRODYSTROPHY, TYPE II; SHORT-RIB THORACIC DYSPLASIA 6 WITH POLYDACTYLY; SHORT-RIB THORACIC DYSPLASIA 6 WITHOUT POLYDACTYLY; Majewski Syndrome. Identifiers: MedGen C0024507, MONDO:0009894, OMIM 263520.

Submissions (2):

CeGaT Center for Human Genetics Tuebingen
Classification: Pathogenic. Last evaluated: 2024-09-01. Review status: criteria provided, single submitter. Criteria: CeGaT Center For Human Genetics Tuebingen Variant Classification Criteria Version 2. Collection method: clinical testing. Allele origin: germline. Affected: yes. Observed: 1 variant allele.
Comment: NEK1: PVS1, PM2, PS4:Moderate

Labcorp Genetics (formerly Invitae), Labcorp
Classification: Pathogenic for Short-rib thoracic dysplasia 6 with or without polydactyly. Last evaluated: 2023-11-29. Review status: criteria provided, single submitter. Criteria: Invitae Variant Classification Sherloc (09022015). Collection method: clinical testing. Allele origin: germline.
Comment: This sequence change creates a premature translational stop signal (p.Arg366Lysfs*6) in the NEK1 gene. It is expected to result in an absent or disrupted protein product. Loss-of-function variants in NEK1 are known to be pathogenic (PMID: 22499340, 29068549). This variant is not present in population databases (gnomAD no frequency). This variant has not been reported in the literature in individuals affected with NEK1-related conditions. For these reasons, this variant has been classified as Pathogenic.

Literature cited by the submitters: PubMed 22499340 (cited by Labcorp Genetics (formerly Invitae), Labcorp); PubMed 29068549 (cited by Labcorp Genetics (formerly Invitae), Labcorp).

NM_001199397.3(NEK1):c.1097_1098del (p.Arg366fs)

Gene: NEK1 (NIMA related kinase 1; minus strand). Cytogenetic location: 4q33.
Variant type: Microsatellite.
Coding change: c.1097_1098del on transcript NM_001199397.3 (MANE Select); coding-DNA positions 1097 to 1098, 2 bases deleted (GA; older notation c.1097_1098delGA).
Protein change: p.Arg366fs; shifts the reading frame from arginine 366.
Molecular consequence: frameshift variant. On other transcripts: non-coding transcript variant (2).
Genome position (GRCh38, 1-based): chr4:169,561,874-169,561,875, TC deleted on the plus strand (GA on the coding strand, the reverse complement: NEK1 is on the minus strand); deleting any 2 consecutive bases within chr4:169,561,874-169,561,878 gives the same sequence; the c. name uses the placement nearest the transcript's 3' end. VCF-style (leftmost placement, unchanged base first): chr4-169561873-TTC-T. GRCh37 (hg19) VCF-style: chr4-170483024-TTC-T.
Other names: c.1097_1098del, p.Arg366fs (NM_001199398.3, NM_001199399.3, NM_001199400.3 and 7 more transcripts); short protein forms R366fs.
Identifiers: ClinVar variation 3023252 (VCV003023252.17), dbSNP rs1762964297, ClinGen allele CA1512025640.